The following is an entry in ClinVar:

ClinVar aggregate classification (germline): Uncertain significance. Review status: criteria provided, multiple submitters, no conflicts (2 of 4 stars). 2 submissions from 2 submitters: Uncertain significance (2). Last evaluated 2019-12-27.

Conditions:
Inborn genetic diseases. Identifiers: MedGen C0950123, MeSH D030342.
Developmental and epileptic encephalopathy, 31A. Also called: Developmental and epileptic encephalopathy, 31; Epileptic encephalopathy, early infantile, 31. Identifiers: Orphanet 2382, MedGen C4225357, MONDO:0014598, OMIM 616346.

Submissions (2):

Labcorp Genetics (formerly Invitae), Labcorp
Classification: Uncertain significance for Developmental and epileptic encephalopathy, 31A. Last evaluated: 2019-12-27. Review status: criteria provided, single submitter. Criteria: Invitae Variant Classification Sherloc (09022015). Collection method: clinical testing. Allele origin: germline.
Comment: In summary, the available evidence is currently insufficient to determine the role of this variant in disease. Therefore, it has been classified as a Variant of Uncertain Significance. Algorithms developed to predict the effect of missense changes on protein structure and function (SIFT, PolyPhen-2, Align-GVGD) all suggest that this variant is likely to be tolerated, but these predictions have not been confirmed by published functional studies and their clinical significance is uncertain. This variant has not been reported in the literature in individuals with DNM1-related conditions. The frequency data for this variant in the population databases is considered unreliable, as metrics indicate insufficient coverage at this position in the ExAC database. This sequence change replaces proline with leucine at codon 825 of the DNM1 protein (p.Pro825Leu). The proline residue is moderately conserved and there is a moderate physicochemical difference between proline and leucine.

Ambry Genetics
Classification: Uncertain significance for Inborn genetic diseases. Last evaluated: 2018-07-27. Review status: criteria provided, single submitter. Criteria: Ambry Variant Classification Scheme 2023. Collection method: clinical testing. Allele origin: germline.
Comment: The p.P825L variant (also known as c.2474C>T), located in coding exon 21 of the DNM1 gene, results from a C to T substitution at nucleotide position 2474. The proline at codon 825 is replaced by leucine, an amino acid with similar properties. This amino acid position is highly conserved in available vertebrate species. In addition, this alteration is predicted to be tolerated by in silico analysis. Since supporting evidence is limited at this time, the clinical significance of this alteration remains unclear.

NM_004408.4(DNM1):c.2474C>T (p.Pro825Leu)

Genes: DNM1 (dynamin 1; plus strand), LOC130002699 (ATAC-STARR-seq lymphoblastoid silent region 20333; plus strand). Cytogenetic location: 9q34.11.
Variant type: single nucleotide variant.
Coding change: c.2474C>T on transcript NM_004408.4 (MANE Select); coding-DNA position 2474, C replaced by T.
Protein change: p.Pro825Leu; replaces proline 825 with leucine.
Molecular consequence: missense variant.
Genome position (GRCh38, 1-based): chr9:128,250,880, C>T. VCF-style: chr9-128250880-C-T. GRCh37 (hg19) VCF-style: chr9-131013159-C-T.
Other names: c.2474C>T, p.Pro825Leu (NM_001005336.3, NM_001288737.2, NM_001288738.2 and 2 more transcripts); short protein forms P825L.
Identifiers: ClinVar variation 854620 (VCV000854620.12), dbSNP rs1295591580, ClinGen allele CA375001896.